The following is an entry in ClinVar:

ClinVar aggregate classification (germline): Uncertain significance. Review status: criteria provided, multiple submitters, no conflicts (2 of 4 stars). 2 submissions from 2 submitters: Uncertain significance (2). Last evaluated 2025-06-18.

Conditions:
Hereditary cancer-predisposing syndrome. Also called: Hereditary Cancer Syndrome; Hereditary neoplastic syndrome; Neoplastic Syndromes, Hereditary; Tumor predisposition. Identifiers: Orphanet 140162, MedGen C0027672, MeSH D009386, MONDO:0015356.
Neuroblastoma, susceptibility to, 3. Also called: ALK-Related Neuroblastic Tumor Susceptibility. Identifiers: Orphanet 635, MedGen C2751681, MONDO:0013083, OMIM 613014.

gnomAD v4.1: 2 of 1,614,234 alleles (0.00012%); highest among the groups gnomAD compares: Admixed American, 0.0017%; no homozygotes.

Submissions (2):

Labcorp Genetics (formerly Invitae), Labcorp
Classification: Uncertain significance for Neuroblastoma, susceptibility to, 3. Last evaluated: 2025-06-18. Review status: criteria provided, single submitter. Criteria: Invitae Variant Classification Sherloc (09022015). Collection method: clinical testing. Allele origin: germline.
Comment: This sequence change replaces phenylalanine, which is neutral and non-polar, with isoleucine, which is neutral and non-polar, at codon 856 of the ALK protein (p.Phe856Ile). This variant is present in population databases (rs780727824, gnomAD 0.003%). This variant has not been reported in the literature in individuals affected with ALK-related conditions. ClinVar contains an entry for this variant (Variation ID: 3525165). An algorithm developed to predict the effect of missense changes on protein structure and function (PolyPhen-2) suggests that this variant is likely to be tolerated. In summary, the available evidence is currently insufficient to determine the role of this variant in disease. Therefore, it has been classified as a Variant of Uncertain Significance.

Ambry Genetics
Classification: Uncertain significance for Hereditary cancer-predisposing syndrome. Last evaluated: 2024-11-19. Review status: criteria provided, single submitter. Criteria: Ambry Variant Classification Scheme 2023. Collection method: clinical testing. Allele origin: germline.
Comment: The p.F856I variant (also known as c.2566T>A), located in coding exon 15 of the ALK gene, results from a T to A substitution at nucleotide position 2566. The phenylalanine at codon 856 is replaced by isoleucine, an amino acid with highly similar properties. This amino acid position is conserved. In addition, this alteration is predicted to be tolerated by in silico analysis. Based on the available evidence, the clinical significance of this variant remains unclear.

NM_004304.5(ALK):c.2566T>A (p.Phe856Ile)

Gene: ALK (ALK receptor tyrosine kinase; minus strand). Cytogenetic location: 2p23.2.
Variant type: single nucleotide variant.
Coding change: c.2566T>A on transcript NM_004304.5 (MANE Select); coding-DNA position 2566, T replaced by A.
Protein change: p.Phe856Ile; replaces phenylalanine 856 with isoleucine.
Molecular consequence: missense variant.
Genome position (GRCh38, 1-based): chr2:29,232,370, A>T on the plus strand (T>A on the coding strand, the complement: ALK is on the minus strand). VCF-style: chr2-29232370-A-T. GRCh37 (hg19) VCF-style: chr2-29455236-A-T.
Other names: short protein forms F856I.
Identifiers: ClinVar variation 3525165 (VCV003525165.2).